The following is an entry in ClinVar:

NM_012431.3(SEMA3E):c.1996C>T (p.Arg666Cys)

Gene: SEMA3E (semaphorin 3E; minus strand). Cytogenetic location: 7q21.11.
Variant type: single nucleotide variant.
Coding change: c.1996C>T on transcript NM_012431.3 (MANE Select); coding-DNA position 1996, C replaced by T.
Protein change: p.Arg666Cys; replaces arginine 666 with cysteine.
Molecular consequence: missense variant.
Genome position (GRCh38, 1-based): chr7:83,367,918, G>A on the plus strand (C>T on the coding strand, the complement: SEMA3E is on the minus strand). VCF-style: chr7-83367918-G-A. GRCh37 (hg19) VCF-style: chr7-82997234-G-A.
Other names: c.1816C>T, p.Arg606Cys (NM_001178129.2); short protein forms R606C, R666C.
Identifiers: ClinVar variation 4691736 (VCV004691736.1).

ClinVar aggregate classification (germline): Uncertain significance (1 of 4 stars; one submission).

Conditions:
CHARGE syndrome (CHARGE). Also called: Hittner Hirsch Kreh syndrome; CHARGE ASSOCIATION--COLOBOMA, HEART ANOMALY, CHOANAL ATRESIA, RETARDATION, GENITAL AND EAR ANOMALIES; Coloboma, heart anomaly, choanal atresia, retardation, genital and ear anomalies; CHARGE association; Hall-Hittner syndrome. Identifiers: Orphanet 138, MedGen C0265354, MONDO:0008965.

gnomAD v4.1: 8 of 1,610,332 alleles (0.0005%); highest among the groups gnomAD compares: East Asian, 0.0045%; no homozygotes.

Submission:

Labcorp Genetics (formerly Invitae), Labcorp
Classification: Uncertain significance for CHARGE syndrome. Last evaluated: 2025-04-23. Review status: criteria provided, single submitter. Criteria: Invitae Variant Classification Sherloc (09022015). Collection method: clinical testing. Allele origin: germline.
Comment: This sequence change replaces arginine, which is basic and polar, with cysteine, which is neutral and slightly polar, at codon 666 of the SEMA3E protein (p.Arg666Cys). This variant is present in population databases (no rsID available, gnomAD 0.0009%). This variant has not been reported in the literature in individuals affected with SEMA3E-related conditions. Invitae Evidence Modeling of protein sequence and biophysical properties (such as structural, functional, and spatial information, amino acid conservation, physicochemical variation, residue mobility, and thermodynamic stability) indicates that this missense variant is not expected to disrupt SEMA3E protein function with a negative predictive value of 80%. In summary, the available evidence is currently insufficient to determine the role of this variant in disease. Therefore, it has been classified as a Variant of Uncertain Significance.